The following is an entry in ClinVar:

ClinVar aggregate classification (germline): Pathogenic/Likely pathogenic. Review status: criteria provided, multiple submitters, no conflicts (2 of 4 stars). 10 submissions from 10 submitters: Pathogenic (6); Likely pathogenic (3). 1 of the submissions does not count toward it. Last evaluated 2025-09-17.

Conditions:
Familial hypocalciuric hypercalcemia (FHH). Also called: Familial benign hypercalcemia. Identifiers: Orphanet 405, MedGen C1809471, MONDO:0018458.
Autosomal dominant hypocalcemia 1 (HYPOC1). Also called: HYPOCALCEMIA, FAMILIAL. Identifiers: MedGen C3715128, MONDO:0011013, OMIM 601198.
Familial hyperparathyroidism or Hypocalciuric hypercalcaemia.
CASR-related disorder. Also called: CASR-related condition.
Neonatal severe primary hyperparathyroidism. Identifiers: Orphanet 417, MedGen C1832615, MONDO:0009397, OMIM 239200.
Epilepsy, idiopathic generalized, susceptibility to, 8. Identifiers: MedGen C2752062, MONDO:0013032, OMIM 612899.
Familial hypocalciuric hypercalcemia 1. Also called: Hypercalcemia, familial benign type 1. Identifiers: Orphanet 405, Orphanet 93372, MedGen C0342637, MONDO:0007791, OMIM 145980.
Nephrolithiasis/nephrocalcinosis. Identifiers: MedGen CN580796.

Submissions (10):

Cambridge Genomics Laboratory, East Genomic Laboratory Hub, NHS Genomic Medicine Service
Classification: Likely pathogenic for Familial hyperparathyroidism or Hypocalciuric hypercalcaemia. Last evaluated: 2025-09-17. Review status: criteria provided, single submitter. Criteria: ACGS Best Practice Guidelines for Variant Classification in Rare Disease 2020. Collection method: clinical testing. Allele origin: germline. Affected: yes.
Comment: PS3_Supporting,PS4_Moderate,PM2,PP1_Moderate,PP2

Labcorp Genetics (formerly Invitae), Labcorp
Classification: Pathogenic for Familial hypocalciuric hypercalcemia; Autosomal dominant hypocalcemia 1. Last evaluated: 2025-09-10. Review status: criteria provided, single submitter. Criteria: Invitae Variant Classification Sherloc (09022015). Collection method: clinical testing. Allele origin: germline.
Comment: This sequence change replaces threonine, which is neutral and polar, with methionine, which is neutral and non-polar, at codon 138 of the CASR protein (p.Thr138Met). This variant is not present in population databases (gnomAD no frequency). This missense change has been observed in individual(s) with familial hypocalciuric hypercalcemia (PMID: 1302026, 7726161, 11889203, 22422767, 26963950, 32347971). It has also been observed to segregate with disease in related individuals. Invitae Evidence Modeling of clinical and family history, age, sex, and reported ancestry of multiple individuals with this CASR variant has been performed. This variant is expected to be pathogenic with a positive predictive value of at least 99%. This is a validated machine learning model that incorporates the clinical features of 646,172 individuals referred to our laboratory for CASR testing. This variant is also known as p.Thr139Met. ClinVar contains an entry for this variant (Variation ID: 8332). An algorithm developed to predict the effect of missense changes on protein structure and function (PolyPhen-2) suggests that this variant is likely to be disruptive. Experimental studies have shown that this missense change affects CASR function (PMID: 8702647, 21239511). For these reasons, this variant has been classified as Pathogenic.

Women's Health and Genetics/Laboratory Corporation of America, LabCorp
Classification: Pathogenic for Familial hypocalciuric hypercalcemia. Last evaluated: 2025-06-18. Review status: criteria provided, single submitter. Criteria: LabCorp Variant Classification Summary - May 2015. Collection method: clinical testing. Allele origin: germline.
Comment: Variant summary: CASR c.413C>T (p.Thr138Met) results in a non-conservative amino acid change in the encoded protein sequence. Algorithms developed to predict the effect of missense changes on protein structure and function all suggest that this variant is likely to be disruptive. The variant was absent in 251408 control chromosomes. c.413C>T has been observed in multiple individuals affected with Familial Hypocalciuric Hypercalcemia (example, Alam_2021, Bai_1996, Chou_1992, 1995, Dsouza-Li_2002). It has also been reported at a homozygous state in an individual with Neonatal Severe Hyperparathyroidism (Bernardor_2022). These data indicate that the variant is very likely to be associated with disease. At least one publication reports experimental evidence evaluating an impact on protein function. The most pronounced variant effect results in reduced normal activity of CASR in HEK293 cells (Bai_1996). The following publications have been ascertained in the context of this evaluation (PMID: 35300448, 8702647, 7726161, 1302026, 11889203, 36090548). ClinVar contains an entry for this variant (Variation ID: 8332). Based on the evidence outlined above, the variant was classified as pathogenic.

Cardiovascular Genetics Laboratory, PathWest Laboratory Medicine WA - Fiona Stanley Hospital
Classification: Pathogenic for Familial hypocalciuric hypercalcemia 1. Last evaluated: 2024-07-23. Review status: criteria provided, single submitter. Criteria: ACMG Guidelines, 2015. Collection method: clinical testing. Allele origin: germline. Affected: yes.
Comment: The CASR p.Thr138Met missense variant is absent from the gnomAD v4.1.0 population database and is pathogenic for familial hypocalciuric hypercalcaemia (FHH). It has previously been reported in multiple FHH patients, with functional studies demonstrating reduced responsiveness of Thr138Met CASR to extracellular calcium compared to wild-type (PMID:8702647).

Ambry Genetics
Classification: Pathogenic for Nephrolithiasis/nephrocalcinosis. Last evaluated: 2023-09-16. Review status: criteria provided, single submitter. Criteria: Ambry Variant Classification Scheme 2023. Collection method: clinical testing. Allele origin: germline.
Comment: The p.T138M pathogenic mutation (also known as c.413C>T), located in coding exon 2 of the CASR gene, results from a C to T substitution at nucleotide position 413. The threonine at codon 138 is replaced by methionine, an amino acid with similar properties. This alteration was identified in multiple individuals with familial hypocalciuric hypercalcemia (FHH) (D'Souza-Li L et al. J Clin Endocrinol Metab, 2002 Mar;87:1309-18; Alam S et al. Indian J Endocrinol Metab, 2021 Jan;25:462-465; Bernardor J et al. Front Pediatr, 2022 Aug;10:926986; Ambry internal data) and segregated with disease in one large family (Chou YH et al. Am J Hum Genet, 1995 May;56:1075-9). This alteration was also identified in the homozygous state in an individual diagnosed with neonatal severe hyperparathyroidism (NSHPT) (Bernardor J et al. Front Pediatr, 2022 Aug;10:926986). In one functional study, this alteration showed reduced CASR function when exposed to extracellular calcium (Bai M et al. J Biol Chem, 1996 Aug;271:19537-45). This amino acid position is highly conserved in available vertebrate species. In addition, this alteration is predicted to be deleterious by in silico analysis. This variant is considered to be rare based on population cohorts in the Genome Aggregation Database (gnomAD). Based on the supporting evidence, this alteration is interpreted as a disease-causing mutation.

Blueprint Genetics
Classification: Pathogenic for CASR-related disorders. Last evaluated: 2023-07-31. Review status: criteria provided, single submitter. Criteria: ACMG Guidelines, 2015. Collection method: clinical testing. Allele origin: germline. Affected: yes. Observed: 3 variant alleles.

Mayo Clinic Laboratories, Mayo Clinic
Classification: Pathogenic. Last evaluated: 2023-03-07. Review status: criteria provided, single submitter. Criteria: ACMG Guidelines, 2015. Collection method: clinical testing. Allele origin: germline. Observed: 1 variant allele.
Comment: PP1_strong, PP2, PM1_supporting, PM2_supporting, PS3, PS4_moderate

PreventionGenetics, part of Exact Sciences
Classification: Likely pathogenic for CASR-related condition. Last evaluated: 2022-11-21. Review status: criteria provided, single submitter. Criteria: ACMG Guidelines, 2015. Collection method: clinical testing. Allele origin: germline.
Comment: The CASR c.413C>T variant is predicted to result in the amino acid substitution p.Thr138Met. This variant has been reported to segregate with disease in two families with hypocalciuric hypercalcemia (Chou et al 1995. PubMed ID: 7726161; Mouly et al 2020. PubMed ID: 32347971). This variant has not been reported in a large population database, indicating this variant is rare. This variant is interpreted as likely pathogenic.

Fulgent Genetics
Classification: Likely pathogenic for Familial hypocalciuric hypercalcemia 1; Neonatal severe primary hyperparathyroidism; Autosomal dominant hypocalcemia 1; Epilepsy, idiopathic generalized, susceptibility to, 8. Last evaluated: 2021-10-19. Review status: criteria provided, single submitter. Criteria: ACMG Guidelines, 2015. Collection method: clinical testing. Allele origin: unknown.

OMIM
Classification: Pathogenic for HYPOCALCIURIC HYPERCALCEMIA, FAMILIAL, TYPE I. Last evaluated: 1995-05-01. Review status: no assertion criteria provided. Collection method: literature only. Allele origin: germline. Not counted in ClinVar's aggregate classification.

Literature cited by the submitters: PubMed 1302026 (cited by Labcorp Genetics (formerly Invitae), Labcorp and Women's Health and Genetics/Laboratory Corporation of America, LabCorp); PubMed 7726161 (cited by 5 submitters); PubMed 11889203 (cited by 4 submitters); PubMed 22422767 (cited by Labcorp Genetics (formerly Invitae), Labcorp); PubMed 26963950 (cited by Labcorp Genetics (formerly Invitae), Labcorp); PubMed 32347971 (cited by Labcorp Genetics (formerly Invitae), Labcorp and Mayo Clinic Laboratories, Mayo Clinic); PubMed 8702647 (cited by 5 submitters); PubMed 21239511 (cited by Labcorp Genetics (formerly Invitae), Labcorp and Mayo Clinic Laboratories, Mayo Clinic); PubMed 35300448 (cited by 3 submitters); PubMed 36090548 (cited by Women's Health and Genetics/Laboratory Corporation of America, LabCorp and Ambry Genetics); PubMed 17478419 (cited by Mayo Clinic Laboratories, Mayo Clinic).

NM_000388.4(CASR):c.413C>T (p.Thr138Met)

Gene: CASR (calcium sensing receptor; plus strand). Cytogenetic location: 3q21.1.
Variant type: single nucleotide variant.
Coding change: c.413C>T on transcript NM_000388.4 (MANE Select); coding-DNA position 413, C replaced by T.
Protein change: p.Thr138Met; replaces threonine 138 with methionine.
Molecular consequence: missense variant.
Genome position (GRCh38, 1-based): chr3:122,257,308, C>T. VCF-style: chr3-122257308-C-T. GRCh37 (hg19) VCF-style: chr3-121976155-C-T.
Other names: T139M; p.Thr138Met; c.413C>T, p.Thr138Met (NM_001178065.2); c.413C>T (NM_001178065.1); short protein forms T138M.
Identifiers: ClinVar variation 8332 (VCV000008332.18), dbSNP rs121909263, ClinGen allele CA119501.